The following is an entry in ClinVar:

NM_018718.3(CEP41):c.313_314dup (p.Thr106fs)

Gene: CEP41 (centrosomal protein 41; minus strand). Cytogenetic location: 7q32.2.
Variant type: Duplication.
Coding change: c.313_314dup on transcript NM_018718.3 (MANE Select); coding-DNA positions 313 to 314, 2 bases duplicated (AC; older notation c.313_314dupAC).
Protein change: p.Thr106fs; shifts the reading frame from threonine 106.
Molecular consequence: frameshift variant. On other transcripts: non-coding transcript variant (1).
Genome position (GRCh38, 1-based): chr7:130,404,672-130,404,673, GT duplicated on the plus strand (AC on the coding strand, the reverse complement: CEP41 is on the minus strand). VCF-style (leftmost placement, unchanged base first): chr7-130404671-G-GGT. GRCh37 (hg19) VCF-style: chr7-130044512-G-GGT.
Other names: c.313_314dup, p.Thr106fs (NM_001257158.2); c.265_266dup, p.Thr90fs (NM_001257159.2); short protein forms T106fs, T90fs.
Identifiers: ClinVar variation 4725805 (VCV004725805.1).

ClinVar aggregate classification (germline): Pathogenic (1 of 4 stars; one submission).

Conditions:
Joubert syndrome 15 (JBTS15). Identifiers: Orphanet 475, MedGen C3280897, MONDO:0013763, OMIM 614464.

Submission:

Labcorp Genetics (formerly Invitae), Labcorp
Classification: Pathogenic for Joubert syndrome 15. Last evaluated: 2025-08-24. Review status: criteria provided, single submitter. Criteria: Invitae Variant Classification Sherloc (09022015). Collection method: clinical testing. Allele origin: germline.
Comment: This sequence change creates a premature translational stop signal (p.Thr106Profs*22) in the CEP41 gene. It is expected to result in an absent or disrupted protein product. Loss-of-function variants in CEP41 are known to be pathogenic (PMID: 22246503). This variant is not present in population databases (gnomAD no frequency). This variant has not been reported in the literature in individuals affected with CEP41-related conditions. For these reasons, this variant has been classified as Pathogenic.

Literature cited by the submitters: PubMed 22246503.